The following is an entry in ClinVar:

NM_004336.5(BUB1):c.874A>C (p.Lys292Gln)

Gene: BUB1 (BUB1 mitotic checkpoint serine/threonine kinase; minus strand). Cytogenetic location: 2q13.
Variant type: single nucleotide variant.
Coding change: c.874A>C on transcript NM_004336.5 (MANE Select); coding-DNA position 874, A replaced by C.
Protein change: p.Lys292Gln; replaces lysine 292 with glutamine.
Molecular consequence: missense variant.
Genome position (GRCh38, 1-based): chr2:110,666,346, T>G on the plus strand (A>C on the coding strand, the complement: BUB1 is on the minus strand). VCF-style: chr2-110666346-T-G. GRCh37 (hg19) VCF-style: chr2-111423923-T-G.
Other names: c.814A>C, p.Lys272Gln (NM_001278616.2); c.874A>C, p.Lys292Gln (NM_001278617.2); short protein forms K272Q, K292Q.
Identifiers: ClinVar variation 3224125 (VCV003224125.1), dbSNP rs2468025966, ClinGen allele CA348216621.
Genomic context (GRCh38, chr2:110,666,346, plus strand): 5'-GCAGATCCTCATGGGATGTCTCCACCACCTGATGCAACTTCTTATGAAGTTCATCCATTT[T>G]CTGTTTTAATAGCTGTTCTTCAAAAGCATTTGCTTCTTTCCTTTTCATATAATGTCTGTC-3'
Protein context (NP_004327.1, residues 282-302): NAFEEQLLKQ[Lys292Gln]MDELHKKLHQ

ClinVar aggregate classification (germline): Uncertain significance (1 of 4 stars; one submission).

Submission:

Ambry Genetics
Classification: Uncertain significance. Last evaluated: 2023-10-27. Review status: criteria provided, single submitter. Criteria: Ambry Variant Classification Scheme 2023. Collection method: clinical testing. Allele origin: germline.
Comment: The p.K292Q variant (also known as c.874A>C), located in coding exon 9 of the BUB1 gene, results from an A to C substitution at nucleotide position 874. The lysine at codon 292 is replaced by glutamine, an amino acid with similar properties. This amino acid position is conserved. In addition, this alteration is predicted to be tolerated by in silico analysis. Since supporting evidence is limited at this time, the clinical significance of this alteration remains unclear.